The following is an entry in ClinVar:

ClinVar aggregate classification (germline): Benign/Likely benign. Review status: criteria provided, multiple submitters, no conflicts (2 of 4 stars). 3 submissions from 3 submitters: Benign (1); Likely benign (2). Last evaluated 2024-10-17.

Conditions:
Hereditary cancer-predisposing syndrome. Also called: Neoplastic Syndromes, Hereditary; Hereditary neoplastic syndrome; Hereditary Cancer Syndrome; Tumor predisposition. Identifiers: Orphanet 140162, MedGen C0027672, MeSH D009386, MONDO:0015356.
Hereditary leiomyomatosis and renal cell cancer. Also called: LEIOMYOMA, MULTIPLE CUTANEOUS; Reed syndrome; Multiple cutaneous and uterine leiomyomatosis; Cutaneous leiomyomata with uterine leiomyomata; Leiomyoma, hereditary multiple, of skin; Multiple cutaneous and uterine leiomyomata. Identifiers: Orphanet 523, MedGen C1708350, MONDO:0007888, OMIM 150800, HP:0007437. Disease mechanism: loss of function.

Allele frequency attached by ClinVar (database versions not stated): gnomAD exomes below 0.00001; ExAC 0.00001; TOPMed 0.00001.
gnomAD v4.1: 1 of 1,613,988 alleles (0.000062%); highest among the groups gnomAD compares: African/African-American, 0.0013%; no homozygotes.

Submissions (3):

Myriad Genetics, Inc.
Classification: Benign for Hereditary leiomyomatosis and renal cell cancer. Last evaluated: 2024-10-17. Review status: criteria provided, single submitter. Criteria: Myriad Autosomal Dominant, Autosomal Recessive and X-Linked Classification Criteria (2023). Collection method: clinical testing. Allele origin: unknown.
Comment: This variant is considered benign. This variant is a silent/synonymous amino acid change and it is not expected to impact splicing.

Labcorp Genetics (formerly Invitae), Labcorp
Classification: Likely benign. Last evaluated: 2024-10-16. Review status: criteria provided, single submitter. Criteria: Invitae Variant Classification Sherloc (09022015). Collection method: clinical testing. Allele origin: germline.

Ambry Genetics
Classification: Likely benign for Hereditary cancer-predisposing syndrome. Last evaluated: 2015-09-02. Review status: criteria provided, single submitter. Criteria: Ambry Variant Classification Scheme 2023. Collection method: clinical testing. Allele origin: germline.

NM_000143.4(FH):c.357A>C (p.Ala119=)

Gene: FH (fumarate hydratase; minus strand). Cytogenetic location: 1q43.
Variant type: single nucleotide variant.
Coding change: c.357A>C on transcript NM_000143.4 (MANE Select); coding-DNA position 357, A replaced by C.
Protein change: p.Ala119=; no amino-acid change (alanine 119 retained).
Molecular consequence: synonymous variant.
Genome position (GRCh38, 1-based): chr1:241,513,624, T>G on the plus strand (A>C on the coding strand, the complement: FH is on the minus strand). VCF-style: chr1-241513624-T-G. GRCh37 (hg19) VCF-style: chr1-241676924-T-G.
Identifiers: ClinVar variation 233714 (VCV000233714.14), dbSNP rs767209674, ClinGen allele CA1478710.